The following is an entry in ClinVar:

ClinVar aggregate classification (germline): Pathogenic (1 of 4 stars; one submission).

Submission:

Labcorp Genetics (formerly Invitae), Labcorp
Classification: Pathogenic. Last evaluated: 2023-10-19. Review status: criteria provided, single submitter. Criteria: Invitae Variant Classification Sherloc (09022015). Collection method: clinical testing. Allele origin: germline.
Comment: This variant results in the deletion of part of exon 87 (c.6899_6900+6del) of the COL7A1 gene. It is expected to disrupt splicing. Variants that disrupt the donor or acceptor splice site typically lead to a loss of protein function (PMID: 16199547), and loss-of-function variants in COL7A1 are known to be disease-causing for autosomal recessive dystrophic epidermolysis bullosa (PMID: 16971478). However, certain variants affecting donor or acceptor splice sites in the triple helical domain of COL7A1 are expected to result in in-frame exon skipping and have been reported to cause autosomal dominant dystrophic epidermolysis bullosa (PMID: 31670143). This variant is not present in population databases (gnomAD no frequency). This variant has been observed in individual(s) with clinical features of dystrophic epidermolysis bullosa (Invitae). In at least one individual the variant was observed to be de novo. For these reasons, this variant has been classified as Pathogenic.

Literature cited by the submitters: PubMed 16199547; PubMed 16971478; PubMed 31670143.

NM_000094.4(COL7A1):c.6899_6900+6del

Gene: COL7A1 (collagen type VII alpha 1 chain; minus strand). Cytogenetic location: 3p21.31.
Variant type: Deletion.
Coding change: c.6899_6900+6del on transcript NM_000094.4 (MANE Select); coding-DNA position 6899 through 6 bases into the intron after coding-DNA position 6900, 8 bases deleted (AGGTGATC; older notation c.6899_6900+6delAGGTGATC).
Molecular consequence: splice donor variant.
Genome position (GRCh38, 1-based): chr3:48,572,665-48,572,672, GATCACCT deleted on the plus strand (AGGTGATC on the coding strand, the reverse complement: COL7A1 is on the minus strand); deleting any 8 consecutive bases within chr3:48,572,665-48,572,673 gives the same sequence; the c. name uses the placement nearest the transcript's 3' end. VCF-style (leftmost placement, unchanged base first): chr3-48572664-AGATCACCT-A. GRCh37 (hg19) VCF-style: chr3-48610097-AGATCACCT-A.
Identifiers: ClinVar variation 2843453 (VCV002843453.3), dbSNP rs2530908758, ClinGen allele CA2739278453.
Genomic context (GRCh38, chr3:48,572,664, plus strand): 5'-TGGAAACAGGCTTGTGGGTGAGGCAGAGGAGTTGCTGCAGGGGGTGGAAGTCAGGGTCAA[AGATCACCT>A]GTCCAGGGGCCCCCGTGGGGCCAGGTTCTCCTTTAGGTCCGACAGGGCCAGGCAGACCTG-3'